The following is an entry in ClinVar:

NM_000089.4(COL1A2):c.666A>G (p.Arg222=)

Gene: COL1A2 (collagen type I alpha 2 chain; plus strand). Cytogenetic location: 7q21.3.
Variant type: single nucleotide variant.
Coding change: c.666A>G on transcript NM_000089.4 (MANE Select); coding-DNA position 666, A replaced by G.
Protein change: p.Arg222=; no amino-acid change (arginine 222 retained).
Molecular consequence: synonymous variant.
Genome position (GRCh38, 1-based): chr7:94,408,209, A>G. VCF-style: chr7-94408209-A-G. GRCh37 (hg19) VCF-style: chr7-94037521-A-G.
Identifiers: ClinVar variation 390011 (VCV000390011.1), dbSNP rs1057523615, ClinGen allele CA16605928.
Genomic context (GRCh38, chr7:94,408,209, plus strand): 5'-TTCTGGATTTTATTGAAAATATTTCTGCTTCTAGGGAGCCCGTGGGCTTCCTGGTGAGAG[A>G]GGACGTGTTGGTGCCCCTGGCCCAGCTGTAAGTGCTTCCATTTTTGTTCAGTTTCATCCT-3'
Protein context (NP_000080.2, residues 212-232): QTGARGLPGE[Arg222=]GRVGAPGPAG

ClinVar aggregate classification (germline): Likely benign (1 of 4 stars; one submission).

Submission:

GeneDx
Classification: Likely benign. Last evaluated: 2016-10-18. Review status: criteria provided, single submitter. Criteria: GeneDx Variant Classification (06012015). Collection method: clinical testing. Allele origin: germline. Affected: yes.
Comment: This variant is considered likely benign or benign based on one or more of the following criteria: it is a conservative change, it occurs at a poorly conserved position in the protein, it is predicted to be benign by multiple in silico algorithms, and/or has population frequency not consistent with disease.